The following is an entry in ClinVar:

ClinVar aggregate classification (germline): Pathogenic (1 of 4 stars; one submission).

Conditions:
Familial infantile myasthenia (CMS6). Also called: MYASTHENIC SYNDROME, CONGENITAL, 6, PRESYNAPTIC; Congenital myasthenic syndrome type 6; MYASTHENIC SYNDROME, PRESYNAPTIC, CONGENITAL, ASSOCIATED WITH EPISODIC APNEA. Identifiers: Orphanet 590, MedGen C0393929, MONDO:0009689, OMIM 254210.

Allele frequency attached by ClinVar (database versions not stated): gnomAD exomes below 0.00001; gnomAD 0.00001; TOPMed 0.00002; ESP Exome Variant Server 0.00008.

Submission:

Labcorp Genetics (formerly Invitae), Labcorp
Classification: Pathogenic for Familial infantile myasthenia. Last evaluated: 2023-09-28. Review status: criteria provided, single submitter. Criteria: Invitae Variant Classification Sherloc (09022015). Collection method: clinical testing. Allele origin: germline.
Comment: For these reasons, this variant has been classified as Pathogenic. This variant has not been reported in the literature in individuals affected with CHAT-related conditions. This variant is present in population databases (rs145243180, gnomAD 0.002%). This sequence change creates a premature translational stop signal (p.Cys635*) in the CHAT gene. It is expected to result in an absent or disrupted protein product. Loss-of-function variants in CHAT are known to be pathogenic (PMID: 12548525, 21786365, 23292760).

Literature cited by the submitters: PubMed 12548525; PubMed 21786365; PubMed 23292760.

NM_020549.5(CHAT):c.1905C>A (p.Cys635Ter)

Gene: CHAT (choline O-acetyltransferase; plus strand). Cytogenetic location: 10q11.23.
Variant type: single nucleotide variant.
Coding change: c.1905C>A on transcript NM_020549.5 (MANE Select); coding-DNA position 1905, C replaced by A.
Protein change: p.Cys635Ter; replaces cysteine 635 with a stop codon.
Molecular consequence: nonsense.
Genome position (GRCh38, 1-based): chr10:49,662,710, C>A. VCF-style: chr10-49662710-C-A. GRCh37 (hg19) VCF-style: chr10-50870756-C-A.
Other names: c.1551C>A, p.Cys517Ter (NM_001142929.2, NM_001142934.2, NM_020984.4 and 2 more transcripts); c.1659C>A, p.Cys553Ter (NM_001142933.2); short protein forms C635*, C517*, C553*.
Identifiers: ClinVar variation 2852585 (VCV002852585.3), dbSNP rs145243180, ClinGen allele CA206623541.